The following is an entry in ClinVar:

NM_001035.3(RYR2):c.6429T>A (p.Ile2143=)

Gene: RYR2 (ryanodine receptor 2; plus strand). Cytogenetic location: 1q43.
Variant type: single nucleotide variant.
Coding change: c.6429T>A on transcript NM_001035.3 (MANE Select); coding-DNA position 6429, T replaced by A.
Protein change: p.Ile2143=; no amino-acid change (isoleucine 2143 retained).
Molecular consequence: synonymous variant.
Genome position (GRCh38, 1-based): chr1:237,628,069, T>A. VCF-style: chr1-237628069-T-A. GRCh37 (hg19) VCF-style: chr1-237791369-T-A.
Other names: c.6429T>A (NM_001035.2).
Identifiers: ClinVar variation 1574156 (VCV001574156.11), dbSNP rs2148667697, ClinGen allele CA423821962.
Genomic context (GRCh38, chr1:237,628,069, plus strand): 5'-TGGTCAGATTCGGTCCCTGCTGAGTGTGAGAATGGGCAAAGAAGAAGAGAAGCTCATGAT[T>A]CGTGGATTAGGGTAAATTATTTAACTACTACAACCCTTTGTCTCGTAAATGTTTTCTAAT-3'
Protein context (NP_001026.2, residues 2133-2153): RMGKEEEKLM[Ile2143=]RGLGDIMNNK

ClinVar aggregate classification (germline): Likely benign. Review status: criteria provided, multiple submitters, no conflicts (2 of 4 stars). 3 submissions from 3 submitters: Likely benign (3). Last evaluated 2024-10-07.

Conditions:
Cardiovascular phenotype. Identifiers: MedGen CN230736.
Catecholaminergic polymorphic ventricular tachycardia (CVPT). Also called: Catecholamine-induced polymorphic ventricular tachycardia. Identifiers: Orphanet 3286, MedGen C5574922, MONDO:0017990.
Catecholaminergic polymorphic ventricular tachycardia 1. Also called: VENTRICULAR TACHYCARDIA, STRESS-INDUCED POLYMORPHIC 1; RYR2-Related Catecholaminergic Polymorphic Ventricular Tachycardia; VENTRICULAR TACHYCARDIA, CATECHOLAMINERGIC POLYMORPHIC, 1, WITH OR WITHOUT ATRIAL DYSFUNCTION AND/OR DILATED CARDIOMYOPATHY. Identifiers: Orphanet 3286, MedGen C1631597, MONDO:0011484, OMIM 604772.

gnomAD v4.1: 1 of 1,613,682 alleles (0.000062%); highest among the groups gnomAD compares: African/African-American, 0.0013%; no homozygotes.

Submissions (3):

Ambry Genetics
Classification: Likely benign for Cardiovascular phenotype. Last evaluated: 2024-10-07. Review status: criteria provided, single submitter. Criteria: Ambry Variant Classification Scheme 2023. Collection method: clinical testing. Allele origin: germline.

All of Us Research Program, National Institutes of Health
Classification: Likely benign for Catecholaminergic polymorphic ventricular tachycardia. Last evaluated: 2023-05-04. Review status: criteria provided, single submitter. Criteria: ACMG Guidelines, 2015. Collection method: clinical testing. Allele origin: germline. Inheritance: Autosomal dominant inheritance. Observed: 1 variant allele, 1 heterozygote.
Comment: This study involves interpretation of variants in research participants for the purpose of population health screening. Participant phenotype was not available at the time of variant classification. Additional details can be found in publication PMID: 35346344, PMCID: PMC8962531

Labcorp Genetics (formerly Invitae), Labcorp
Classification: Likely benign for Catecholaminergic polymorphic ventricular tachycardia 1. Last evaluated: 2021-07-26. Review status: criteria provided, single submitter. Criteria: Invitae Variant Classification Sherloc (09022015). Collection method: clinical testing. Allele origin: germline.